The following is an entry in ClinVar:

NM_001982.4(ERBB3):c.234+2T>C

Gene: ERBB3 (erb-b2 receptor tyrosine kinase 3; plus strand). Cytogenetic location: 12q13.2.
Variant type: single nucleotide variant.
Coding change: c.234+2T>C on transcript NM_001982.4 (MANE Select); the canonical splice donor site of the intron after coding-DNA position 234, T replaced by C.
Molecular consequence: splice donor variant.
Genome position (GRCh38, 1-based): chr12:56,083,904, T>C. VCF-style: chr12-56083904-T-C. GRCh37 (hg19) VCF-style: chr12-56477688-T-C.
Other names: c.234+2T>C (NM_001005915.1).
Identifiers: ClinVar variation 3764552 (VCV003764552.1).

ClinVar aggregate classification (germline): Likely pathogenic (1 of 4 stars; one submission).

Conditions:
ERBB3-related disorder. Also called: ERBB3-related condition.

gnomAD v4.1: 10 of 1,613,812 alleles (0.00062%); highest among the groups gnomAD compares: Admixed American, 0.017%; no homozygotes.

Submission:

Daryl Scott Lab, Baylor College of Medicine
Classification: Likely pathogenic for ERBB3-related disorder. Last evaluated: 2024-01-01. Review status: criteria provided, single submitter. Criteria: ACMG Guidelines, 2015. Collection method: clinical testing. Allele origin: maternal. Observed: 1 heterozygote.
Comment: PVS1, PM2